The following is an entry in ClinVar:

ClinVar aggregate classification (germline): Uncertain significance (1 of 4 stars; one submission).

Conditions:
Peroxisome biogenesis disorder. Identifiers: Orphanet 79189, MedGen C1832200, MONDO:0019234. Disease mechanism: loss of function.

Allele frequency attached by ClinVar (database versions not stated): gnomAD exomes below 0.00001; TOPMed below 0.00001; gnomAD 0.00001.
gnomAD v4.1: 2 of 1,598,808 alleles (0.00013%); highest among the groups gnomAD compares: East Asian, 0.0023%; no homozygotes.

Submission:

Labcorp Genetics (formerly Invitae), Labcorp
Classification: Uncertain significance for Peroxisome biogenesis disorder. Last evaluated: 2021-12-05. Review status: criteria provided, single submitter. Criteria: Invitae Variant Classification Sherloc (09022015). Collection method: clinical testing. Allele origin: germline.
Comment: This sequence change replaces proline, which is neutral and non-polar, with arginine, which is basic and polar, at codon 178 of the PEX6 protein (p.Pro178Arg). This variant is present in population databases (no rsID available, gnomAD 0.06%). This variant has not been reported in the literature in individuals affected with PEX6-related conditions. Algorithms developed to predict the effect of missense changes on protein structure and function are either unavailable or do not agree on the potential impact of this missense change (SIFT: "Deleterious"; PolyPhen-2: "Benign"; Align-GVGD: "Class C0"). In summary, the available evidence is currently insufficient to determine the role of this variant in disease. Therefore, it has been classified as a Variant of Uncertain Significance.

NM_000287.4(PEX6):c.533C>G (p.Pro178Arg)

Gene: PEX6 (peroxisomal biogenesis factor 6; minus strand). Cytogenetic location: 6p21.1.
Variant type: single nucleotide variant.
Coding change: c.533C>G on transcript NM_000287.4 (MANE Select); coding-DNA position 533, C replaced by G.
Protein change: p.Pro178Arg; replaces proline 178 with arginine.
Molecular consequence: missense variant. On other transcripts: non-coding transcript variant (1).
Genome position (GRCh38, 1-based): chr6:42,978,618, G>C on the plus strand (C>G on the coding strand, the complement: PEX6 is on the minus strand). VCF-style: chr6-42978618-G-C. GRCh37 (hg19) VCF-style: chr6-42946356-G-C.
Other names: c.533C>G, p.Pro178Arg (NM_001316313.2); short protein forms P178R.
Identifiers: ClinVar variation 1425741 (VCV001425741.8), dbSNP rs1303061971, ClinGen allele CA364164333.